The following is an entry in ClinVar:

NM_001099402.2(CCNK):c.1426del (p.His476fs)

Genes: CCDC85C (coiled-coil domain containing 85C; minus strand), CCNK (cyclin K; plus strand). Cytogenetic location: 14q32.2.
Variant type: Deletion.
Coding change: c.1426del on transcript NM_001099402.2 (MANE Select); coding-DNA position 1426, one base deleted (C; older notation c.1426delC).
Protein change: p.His476fs; shifts the reading frame from histidine 476.
Molecular consequence: frameshift variant. On other transcripts: 3 prime UTR variant (1).
Genome position (GRCh38, 1-based): chr14:99,510,465, C deleted; the last of 5 consecutive C bases (chr14:99,510,461-99,510,465); deleting any one gives the same sequence. VCF-style (leftmost placement, unchanged base first): chr14-99510460-AC-A. GRCh37 (hg19) VCF-style: chr14-99976797-AC-A.
Other names: c.*4785del (NM_001144995.2); short protein forms H476fs.
Identifiers: ClinVar variation 3033144 (VCV003033144.2), dbSNP rs1302182253, ClinGen allele CA616578281.

ClinVar aggregate classification (germline): Uncertain significance (0 of 4 stars; one submission).

Conditions:
CCNK-related disorder. Also called: CCNK-related condition.

Submission:

PreventionGenetics, part of Exact Sciences
Classification: Uncertain significance for CCNK-related condition. Last evaluated: 2024-01-19. Review status: no assertion criteria provided. Collection method: clinical testing. Allele origin: germline.
Comment: The CCNK c.1426delC variant is predicted to result in a frameshift and premature protein termination (p.His476Metfs*104). To our knowledge, this variant has not been reported in the literature. This variant is reported in 0.0046% of alleles in individuals of Latino descent in gnomAD. At this time, the clinical significance of this variant is uncertain due to the absence of conclusive functional and genetic evidence.